The following is an entry in ClinVar:

ClinVar aggregate classification (germline): Uncertain significance (1 of 4 stars; one submission).

Submission:

GeneDx
Classification: Uncertain significance. Last evaluated: 2022-04-27. Review status: criteria provided, single submitter. Criteria: GeneDx Variant Classification Process June 2021. Collection method: clinical testing. Allele origin: germline. Affected: yes.
Comment: Not observed at significant frequency in large population cohorts (gnomAD); In silico analysis supports that this missense variant has a deleterious effect on protein structure/function; Has not been previously published as pathogenic or benign to our knowledge

NM_017780.4(CHD7):c.8717C>T (p.Ser2906Phe)

Gene: CHD7 (chromodomain helicase DNA binding protein 7; plus strand). Cytogenetic location: 8q12.2.
Variant type: single nucleotide variant.
Coding change: c.8717C>T on transcript NM_017780.4 (MANE Select); coding-DNA position 8717, C replaced by T.
Protein change: p.Ser2906Phe; replaces serine 2906 with phenylalanine.
Molecular consequence: missense variant.
Genome position (GRCh38, 1-based): chr8:60,865,656, C>T. VCF-style: chr8-60865656-C-T. GRCh37 (hg19) VCF-style: chr8-61778215-C-T.
Other names: c.2570C>T, p.Ser857Phe (NM_001316690.1); short protein forms S2906F, S857F.
Identifiers: ClinVar variation 1722832 (VCV001722832.2), dbSNP rs2488151783, ClinGen allele CA371311206.